The following is an entry in ClinVar:

ClinVar aggregate classification (germline): Uncertain significance (1 of 4 stars; one submission).

Submission:

Labcorp Genetics (formerly Invitae), Labcorp
Classification: Uncertain significance. Last evaluated: 2020-01-09. Review status: criteria provided, single submitter. Criteria: Invitae Variant Classification Sherloc (09022015). Collection method: clinical testing. Allele origin: germline.
Comment: In summary, the available evidence is currently insufficient to determine the role of this variant in disease. Therefore, it has been classified as a Variant of Uncertain Significance. Nucleotide substitutions within the consensus splice site are a relatively common cause of aberrant splicing (PMID: 17576681, 9536098). Algorithms developed to predict the effect of sequence changes on RNA splicing suggest that this variant is not likely to affect RNA splicing, but this prediction has not been confirmed by published transcriptional studies. This variant is not present in population databases (ExAC no frequency). This variant has not been reported in the literature in individuals with POLE-related disease. This sequence change falls in intron 21 of the POLE gene. It does not directly change the encoded amino acid sequence of the POLE protein, but it affects a nucleotide within the consensus splice site of the intron.

Literature cited by the submitters: PubMed 17576681; PubMed 9536098.

NM_006231.4(POLE):c.2468+4G>C

Gene: POLE (DNA polymerase epsilon, catalytic subunit; minus strand). Cytogenetic location: 12q24.33.
Variant type: single nucleotide variant.
Coding change: c.2468+4G>C on transcript NM_006231.4 (MANE Select); 4 bases into the intron after coding-DNA position 2468, G replaced by C.
Molecular consequence: intron variant.
Genome position (GRCh38, 1-based): chr12:132,665,298, C>G on the plus strand (G>C on the coding strand, the complement: POLE is on the minus strand). VCF-style: chr12-132665298-C-G. GRCh37 (hg19) VCF-style: chr12-133241884-C-G.
Identifiers: ClinVar variation 540625 (VCV000540625.8), dbSNP rs1555226663, ClinGen allele CA658797988.
Genomic context (GRCh38, chr12:132,665,298, plus strand): 5'-GCTGCCCTAAACGTGGACTCATCCATTCCTCCCATAAGCCTCTCCCGGGCCCGGGCCCAC[C>G]TACCCCTTGCGCATGACATAGCCATAGAAGGAGTTCAGGATGCACTTGTGGGCCAGCTGC-3'